The following is an entry in ClinVar:

ClinVar aggregate classification (germline): Likely benign (1 of 4 stars; one submission).

Conditions:
Leigh syndrome (NULS). Also called: Leigh's necrotizing encephalopathy; Leigh's disease; Leigh Syndrome (mtDNA deletion); Leigh Disease; Subacute necrotizing encephalopathy; Necrotizing encephalopathy infantile subacute of Leigh. Identifiers: Orphanet 506, MedGen C2931891, MONDO:0009723, OMIM 256000.

Submission:

Wong Mito Lab, Molecular and Human Genetics, Baylor College of Medicine
Classification: Likely benign for Leigh syndrome. Last evaluated: 2019-10-17. Review status: criteria provided, single submitter. Criteria: Modified ACMG Guidelines (Unpublished). Collection method: clinical testing. Allele origin: germline.
Comment: The NC_012920.1:m.11453G>A (YP_003024035.1:p.Ala232Thr) variant in MTND4 gene is interpretated to be a Likely Benign variant based on the modified ACMG guidelines (unpublished). This variant meets the following evidence codes: BS1, BP5

NC_012920.1(MT-ND4):m.11453G>A

Gene: MT-ND4 (mitochondrially encoded NADH dehydrogenase 4; plus strand).
Variant type: single nucleotide variant.
Genome position: chrM-11453-G-A.
Identifiers: ClinVar variation 693367 (VCV000693367.1), dbSNP rs1603223293, ClinGen allele CA414810230.